The following is an entry in ClinVar:

ClinVar aggregate classification (germline): Uncertain significance. Review status: criteria provided, multiple submitters, no conflicts (2 of 4 stars). 5 submissions from 5 submitters: Uncertain significance (5). Last evaluated 2025-11-10.

Conditions:
Spermatogenic failure 28. Identifiers: MedGen C4748117, MONDO:0054732, OMIM 618086.
Premature ovarian failure 15. Identifiers: MedGen C4748170, MONDO:0054862, OMIM 618096.
Fanconi anemia (FA). Also called: Fanconi's anemia. Identifiers: Orphanet 84, MedGen C0015625, MeSH D005199, MONDO:0019391.

Allele frequency attached by ClinVar (database versions not stated): gnomAD 0.00004 and 0.00005; gnomAD exomes 0.00006 and 0.00016; TOPMed 0.00006; ExAC 0.00007.
gnomAD v4.1: 238 of 1,604,652 alleles (0.015%); highest among the groups gnomAD compares: Non-Finnish European, 0.018%; no homozygotes.

Submissions (5):

Labcorp Genetics (formerly Invitae), Labcorp
Classification: Uncertain significance for Fanconi anemia. Last evaluated: 2025-11-10. Review status: criteria provided, single submitter. Criteria: Invitae Variant Classification Sherloc (09022015). Collection method: clinical testing. Allele origin: germline.
Comment: This sequence change replaces serine, which is neutral and polar, with leucine, which is neutral and non-polar, at codon 1276 of the FANCM protein (p.Ser1276Leu). This variant is present in population databases (rs753876341, gnomAD 0.02%). This variant has not been reported in the literature in individuals affected with FANCM-related conditions. ClinVar contains an entry for this variant (Variation ID: 656323). An algorithm developed to predict the effect of missense changes on protein structure and function outputs the following: PolyPhen-2: "Benign". The leucine amino acid residue is found in multiple mammalian species, which suggests that this missense change does not adversely affect protein function. In summary, the available evidence is currently insufficient to determine the role of this variant in disease. Therefore, it has been classified as a Variant of Uncertain Significance.

GeneDx
Classification: Uncertain significance. Last evaluated: 2025-05-05. Review status: criteria provided, single submitter. Criteria: GeneDx Variant Classification Process June 2021. Collection method: clinical testing. Allele origin: germline. Affected: yes.
Comment: In silico analysis suggests that this missense variant does not alter protein structure/function; Observed with FANCM p.(N1706T) in an adult with head and neck squamous cell carcinoma (PMID: 28678401); Observed in both cases and controls in a breast cancer case-control study (PMID: 33471991); This variant is associated with the following publications: (PMID: 28678401, 33471991)

Blueprint Genetics
Classification: Uncertain significance. Last evaluated: 2024-02-15. Review status: criteria provided, single submitter. Criteria: ACMG Guidelines, 2015. Collection method: clinical testing. Allele origin: germline.

Quest Diagnostics Nichols Institute San Juan Capistrano
Classification: Uncertain significance. Last evaluated: 2023-09-14. Review status: criteria provided, single submitter. Criteria: Quest Diagnostics criteria. Collection method: clinical testing. Allele origin: unknown.
Comment: In the published literature, this variant has been reported in individuals with breast cancer as well as healthy individuals in a large breast cancer association study (PMID: 33471991 (2021), see also LOVD). The frequency of this variant in the general population, 0.00021 (6/29106 chromosomes (Genome Aggregation Database)), is uninformative in the assessment of its pathogenicity. Analysis of this variant using bioinformatics tools for the prediction of the effect of amino acid changes on protein structure and function yielded predictions that this variant is benign. Based on the available information, we are unable to determine the clinical significance of this variant.

Fulgent Genetics
Classification: Uncertain significance for Spermatogenic failure 28; Premature ovarian failure 15. Last evaluated: 2022-01-14. Review status: criteria provided, single submitter. Criteria: ACMG Guidelines, 2015. Collection method: clinical testing. Allele origin: unknown.

Literature cited by the submitters: PubMed 33471991 (cited by Quest Diagnostics Nichols Institute San Juan Capistrano).

NM_020937.4(FANCM):c.3827C>T (p.Ser1276Leu)

Gene: FANCM (FA complementation group M; plus strand). Cytogenetic location: 14q21.2.
Variant type: single nucleotide variant.
Coding change: c.3827C>T on transcript NM_020937.4 (MANE Select); coding-DNA position 3827, C replaced by T.
Protein change: p.Ser1276Leu; replaces serine 1276 with leucine.
Molecular consequence: missense variant.
Genome position (GRCh38, 1-based): chr14:45,176,581, C>T. VCF-style: chr14-45176581-C-T. GRCh37 (hg19) VCF-style: chr14-45645784-C-T.
Other names: c.3749C>T, p.Ser1250Leu (NM_001308133.2); c.3827C>T (LRG_502t1, NM_020937.3); short protein forms S1250L, S1276L.
Identifiers: ClinVar variation 656323 (VCV000656323.22), dbSNP rs753876341, ClinGen allele CA7169579.